The following is an entry in ClinVar:

ClinVar aggregate classification (germline): Likely pathogenic. Review status: reviewed by expert panel (3 of 4 stars). 2 submissions from 2 submitters: Likely pathogenic (1). 1 of the submissions does not count toward it. Last evaluated 2022-09-22.

Conditions:
Very long chain acyl-CoA dehydrogenase deficiency (ACADVLD). Also called: VLCAD Deficiency; Very Long-Chain Acyl-Coenzyme A Dehydrogenase Deficiency. Identifiers: Orphanet 26793, MedGen C3887523, MONDO:0008723, OMIM 201475.

Submissions (2):

ClinGen ACADVL Variant Curation Expert Panel, ClinGen
Classification: Likely pathogenic for Very long chain acyl-CoA dehydrogenase deficiency. Last evaluated: 2022-09-22. Review status: reviewed by expert panel. Criteria: clingen acadvl acmg specifications v1. Collection method: curation. Allele origin: germline. Inheritance: Autosomal recessive inheritance.
Comment: The c.1007_1026del (Ile336Argfs*16) variant in ACADVL is a frameshift variant predicted to cause a premature stop codon in biologically-relevant-exon 10/20 leading to nonsense mediated decay in a gene in which loss-of-function is an established disease mechanism (PVS1; PMIDs 9973285, 11590124). This variant is absent from gnomAD 2.1.1 (PM2_Supporting). To our knowledge, this variant has not been reported in the literature in any individuals with VLCADD. To our knowledge, functional assays have not been reported for this variant. In summary, this variant meets the criteria to be classified as LIKELY PATHOGENIC for autosomal recessive very long chain acyl-CoA dehydrogenase (VLCAD) deficiency based on the ACMG/AMP criteria applied, as specified by the ClinGen ACADVL Variant Curation Expert Panel: PVS1, PM2_Supporting (ClinGen ACADVL VCEP specifications version#1.0; approved 07-03-2022).

Labcorp Genetics (formerly Invitae), Labcorp
Classification: Pathogenic for Very long chain acyl-CoA dehydrogenase deficiency. Last evaluated: 2025-06-27. Review status: criteria provided, single submitter. Criteria: Invitae Variant Classification Sherloc (09022015). Collection method: clinical testing. Allele origin: germline. Not counted in ClinVar's aggregate classification.
Comment: This sequence change creates a premature translational stop signal (p.Ile336Argfs*16) in the ACADVL gene. It is expected to result in an absent or disrupted protein product. Loss-of-function variants in ACADVL are known to be pathogenic (PMID: 9973285, 11590124). This variant is not present in population databases (gnomAD no frequency). This variant has not been reported in the literature in individuals affected with ACADVL-related conditions. ClinVar contains an entry for this variant (Variation ID: 581398). For these reasons, this variant has been classified as Pathogenic.

Literature cited by the submitters: PubMed 9973285 (cited by Labcorp Genetics (formerly Invitae), Labcorp); PubMed 11590124 (cited by Labcorp Genetics (formerly Invitae), Labcorp).

NM_000018.4(ACADVL):c.1007_1026del (p.Ile336fs)

Gene: ACADVL (acyl-CoA dehydrogenase very long chain; plus strand). Cytogenetic location: 17p13.1.
Variant type: Deletion.
Coding change: c.1007_1026del on transcript NM_000018.4 (MANE Select); coding-DNA positions 1007 to 1026, 20 bases deleted (TCCTCAACAATGGAAGGTTT).
Protein change: p.Ile336fs; shifts the reading frame from isoleucine 336.
Molecular consequence: frameshift variant.
Genome position (GRCh38, 1-based): chr17:7,222,795-7,222,814, TCCTCAACAATGGAAGGTTT deleted. VCF-style (leftmost placement, unchanged base first): chr17-7222794-ATCCTCAACAATGGAAGGTTT-A. GRCh37 (hg19) VCF-style: chr17-7126113-ATCCTCAACAATGGAAGGTTT-A.
Other names: NM_000018.4(ACADVL):c.1007_1026del; p.Ile336fs; c.941_960del, p.Ile314fs (NM_001033859.3); c.1076_1095del, p.Ile359fs (NM_001270447.2); c.779_798del, p.Ile260fs (NM_001270448.2); short protein forms I314fs, I260fs, I336fs, I359fs.
Identifiers: ClinVar variation 581398 (VCV000581398.8), dbSNP rs1567565643, ClinGen allele CA891844265.
Genomic context (GRCh38, chr17:7,222,794, plus strand): 5'-CGGGTGCCATCGGAGAACGTGCTGGGTGAGGTTGGGAGTGGCTTCAAGGTTGCCATGCAC[ATCCTCAACAATGGAAGGTTT>A]GGCATGGCTGCGGCCCTGGCAGGTACCATGAGAGGCATCATTGCTAAGGCGGTGAGTACC-3'